The following is an entry in ClinVar:

ClinVar aggregate classification (germline): Uncertain significance. Review status: criteria provided, multiple submitters, no conflicts (2 of 4 stars). 2 submissions from 2 submitters: Uncertain significance (2). Last evaluated 2024-10-11.

Conditions:
Hereditary cancer-predisposing syndrome. Also called: Tumor predisposition; Neoplastic Syndromes, Hereditary; Hereditary Cancer Syndrome; Hereditary neoplastic syndrome. Identifiers: Orphanet 140162, MedGen C0027672, MeSH D009386, MONDO:0015356.
Multiple endocrine neoplasia, type 2 (MEN2). Identifiers: Orphanet 653, MedGen C4048306, MONDO:0019003. Disease mechanism: gain of function.

Submissions (2):

Labcorp Genetics (formerly Invitae), Labcorp
Classification: Uncertain significance for Multiple endocrine neoplasia, type 2. Last evaluated: 2024-10-11. Review status: criteria provided, single submitter. Criteria: Invitae Variant Classification Sherloc (09022015). Collection method: clinical testing. Allele origin: germline.
Comment: This sequence change replaces proline, which is neutral and non-polar, with threonine, which is neutral and polar, at codon 1076 of the RET protein (p.Pro1076Thr). This variant is not present in population databases (gnomAD no frequency). This variant has not been reported in the literature in individuals affected with RET-related conditions. ClinVar contains an entry for this variant (Variation ID: 1729126). An algorithm developed to predict the effect of missense changes on protein structure and function (PolyPhen-2) suggests that this variant is likely to be disruptive. Algorithms developed to predict the effect of sequence changes on RNA splicing suggest that this variant may disrupt the consensus splice site. In summary, the available evidence is currently insufficient to determine the role of this variant in disease. Therefore, it has been classified as a Variant of Uncertain Significance.

Ambry Genetics
Classification: Uncertain significance for Hereditary cancer-predisposing syndrome. Last evaluated: 2021-04-04. Review status: criteria provided, single submitter. Criteria: Ambry Variant Classification Scheme 2023. Collection method: clinical testing. Allele origin: germline.
Comment: The p.P1076T variant (also known as c.3226C>A), located in coding exon 20 of the RET gene, results from a C to A substitution at nucleotide position 3226. The proline at codon 1076 is replaced by threonine, an amino acid with highly similar properties. This amino acid position is well conserved in available vertebrate species. In addition, this alteration is predicted to be deleterious by in silico analysis. Since supporting evidence is limited at this time, the clinical significance of this alteration remains unclear.

NM_020975.6(RET):c.3226C>A (p.Pro1076Thr)

Gene: RET (ret proto-oncogene; plus strand). Cytogenetic location: 10q11.21.
Variant type: single nucleotide variant.
Coding change: c.3226C>A on transcript NM_020975.6 (MANE Select); coding-DNA position 3226, C replaced by A.
Protein change: p.Pro1076Thr; replaces proline 1076 with threonine.
Molecular consequence: missense variant.
Genome position (GRCh38, 1-based): chr10:43,128,150, C>A. VCF-style: chr10-43128150-C-A. GRCh37 (hg19) VCF-style: chr10-43623598-C-A.
Other names: c.3226C>A, p.Pro1076Thr (NM_000323.2, NM_001406743.1); c.*1396C>A (NM_001355216.2, NM_001406764.1, NM_001406765.1 and 15 more transcripts); c.3166C>A, p.Pro1056Thr (NM_001406759.1, NM_001406760.1); c.3097C>A, p.Pro1033Thr (NM_001406761.1, NM_001406762.1); c.3091C>A, p.Pro1031Thr (NM_001406763.1); c.2938C>A, p.Pro980Thr (NM_001406766.1, NM_001406767.1); c.2830C>A, p.Pro944Thr (NM_001406769.1); c.2788C>A, p.Pro930Thr (NM_001406771.1); and 7 more; short protein forms P1033T, P593T, P734T, P777T, P814T, P834T, P944T, P980T.
Identifiers: ClinVar variation 1729126 (VCV001729126.4), dbSNP rs2133048192, ClinGen allele CA376558901.
Genomic context (GRCh38, chr10:43,128,150, plus strand): 5'-AATGATCTGTTTTCATTTTTAGGCATGTCAGACCCGAACTGGCCTGGAGAGAGTCCTGTA[C>A]CACTCACGAGAGCTGATGGCACTAACACTGGGTTTCCAAGATATCCAAATGATAGTGTAT-3'
Protein context (NP_066124.1, residues 1066-1086): DPNWPGESPV[Pro1076Thr]LTRADGTNTG